The following is an entry in ClinVar:

NM_017654.4(SAMD9):c.662G>A (p.Arg221Gln)

Gene: SAMD9 (sterile alpha motif domain containing 9; minus strand). Cytogenetic location: 7q21.2.
Variant type: single nucleotide variant.
Coding change: c.662G>A on transcript NM_017654.4 (MANE Select); coding-DNA position 662, G replaced by A.
Protein change: p.Arg221Gln; replaces arginine 221 with glutamine.
Molecular consequence: missense variant.
Genome position (GRCh38, 1-based): chr7:93,105,436, C>T on the plus strand (G>A on the coding strand, the complement: SAMD9 is on the minus strand). VCF-style: chr7-93105436-C-T. GRCh37 (hg19) VCF-style: chr7-92734749-C-T.
Other names: c.662G>A, p.Arg221Gln (NM_001193307.2); short protein forms R221Q.
Identifiers: ClinVar variation 1337804 (VCV001337804.16), dbSNP rs148603551, ClinGen allele CA4343097.

ClinVar aggregate classification (germline): Conflicting classifications of pathogenicity. Review status: criteria provided, conflicting classifications (1 of 4 stars). 5 submissions from 5 submitters: Uncertain significance (2); Likely benign (2). 1 of the submissions does not count toward it. Last evaluated 2026-01-20.

Conditions:
SAMD9-related disorder. Also called: SAMD9-related condition.

Allele frequency attached by ClinVar (database versions not stated): ESP Exome Variant Server 0.00008; TOPMed 0.00015; gnomAD 0.00016.
gnomAD v4.1: 213 of 1,613,868 alleles (0.013%); highest among the groups gnomAD compares: Non-Finnish European, 0.017%; 1 homozygote.

Submissions (5):

Labcorp Genetics (formerly Invitae), Labcorp
Classification: Likely benign. Last evaluated: 2026-01-20. Review status: criteria provided, single submitter. Criteria: Invitae Variant Classification Sherloc (09022015). Collection method: clinical testing. Allele origin: germline.

GeneDx
Classification: Uncertain significance. Last evaluated: 2025-06-13. Review status: criteria provided, single submitter. Criteria: GeneDx Variant Classification Process June 2021. Collection method: clinical testing. Allele origin: germline.
Comment: In silico analysis suggests that this missense variant does not alter protein structure/function; This variant is associated with the following publications: (PMID: 28545555, 34621053, 30322869)

Blueprint Genetics
Classification: Likely benign. Last evaluated: 2023-07-05. Review status: criteria provided, single submitter. Criteria: ACMG Guidelines, 2015. Collection method: clinical testing. Allele origin: germline.

Genetic Services Laboratory, University of Chicago
Classification: Uncertain significance. Last evaluated: 2021-01-07. Review status: criteria provided, single submitter. Criteria: ACMG Guidelines, 2015. Collection method: clinical testing. Allele origin: germline. Affected: no.
Comment: DNA sequence analysis of the SAMD9 gene demonstrated a sequence change, c.662G>A, in exon 3 that results in an amino acid change, p.Arg221Gln. This sequence change has been described in the gnomAD database with a frequency of 0.028% in the European sub-population (dbSNP rs148603551). The p.Arg221Gln change has been described in an individual with myelodysplastic syndrome (PMID: 30322869). The p.Arg221Gln change affects a highly conserved amino acid residue located in a domain of the SAMD9 protein that is not known to be functional. In-silico pathogenicity prediction tools (SIFT, PolyPhen2, Align GVGD, REVEL) provide contradictory results for the p.Arg221Gln substitution. Due to these contrasting evidences and the lack of functional studies, the clinical significance of the p.Arg221Gln change remains unknown at this time.

PreventionGenetics, part of Exact Sciences
Classification: Uncertain significance for SAMD9-related condition. Last evaluated: 2024-01-10. Review status: no assertion criteria provided. Collection method: clinical testing. Allele origin: germline. Not counted in ClinVar's aggregate classification.
Comment: The SAMD9 c.662G>A variant is predicted to result in the amino acid substitution p.Arg221Gln. This variant was reported as a variant of uncertain significance in both controls and individuals with myelodysplastic syndrome (Table S4, Nagata et al. 2018. PubMed ID: 30322869; Table S6, Sahoo et al. 2021. PubMed ID: 34621053). Functional studies in cell lines suggested that this variant results in growth inhibition (Table S6, Sahoo et al. 2021. PubMed ID: 34621053). This variant is reported in 0.028% of alleles in individuals of European (Non-Finnish) descent in gnomAD and has conflicting interpretations of pathogenicity in ClinVar ranging from likely benign to uncertain. At this time, the clinical significance of this variant is uncertain due to the absence of conclusive functional and genetic evidence.